The following is an entry in ClinVar:

NC_012920.1(MT-ND1):m.4234A>G

Gene: MT-ND1 (mitochondrially encoded NADH dehydrogenase 1; plus strand).
Variant type: single nucleotide variant.
Genome position: chrM-4234-A-G.
Identifiers: ClinVar variation 692440 (VCV000692440.1), dbSNP rs1603219368, ClinGen allele CA414774480.

ClinVar aggregate classification (germline): Likely benign (1 of 4 stars; one submission).

Conditions:
Leigh syndrome (NULS). Also called: Leigh's necrotizing encephalopathy; Leigh's disease; Leigh Syndrome (mtDNA deletion); Leigh Disease; Subacute necrotizing encephalopathy; Necrotizing encephalopathy infantile subacute of Leigh. Identifiers: Orphanet 506, MedGen C2931891, MONDO:0009723, OMIM 256000.

Submission:

Wong Mito Lab, Molecular and Human Genetics, Baylor College of Medicine
Classification: Likely benign for Leigh syndrome. Last evaluated: 2019-10-17. Review status: criteria provided, single submitter. Criteria: Modified ACMG Guidelines (Unpublished). Collection method: clinical testing. Allele origin: germline.
Comment: The NC_012920.1:m.4234A>G (YP_003024026.1:p.Thr310Ala) variant in MTND1 gene is interpretated to be a Likely Benign variant based on the modified ACMG guidelines (unpublished). This variant meets the following evidence codes: BS4, BP4, BP5